The following is an entry in ClinVar:

ClinVar aggregate classification (germline): Uncertain significance. Review status: criteria provided, single submitter (1 of 4 stars). 2 submissions from 2 submitters: Uncertain significance (1). 1 of the submissions does not count toward it. Last evaluated 2024-10-23.

Conditions:
Aicardi Goutieres syndrome (AGS). Also called: Encephalopathy, familial infantile, with calcification of basal ganglia and chronic cerebrospinal fluid lymphocytosis. Identifiers: Orphanet 51, MedGen C0393591, MONDO:0018866.
Aicardi-Goutieres syndrome 5. Identifiers: Orphanet 51, MedGen C2749659, MONDO:0013059, OMIM 612952.

Allele frequency attached by ClinVar (database versions not stated): gnomAD 0.00001; gnomAD exomes 0.00001; TOPMed 0.00001.
gnomAD v4.1: 12 of 1,613,974 alleles (0.00074%); highest among the groups gnomAD compares: Non-Finnish European, 0.00093%; no homozygotes.

Submissions (2):

Labcorp Genetics (formerly Invitae), Labcorp
Classification: Uncertain significance for Aicardi-Goutieres syndrome 5. Last evaluated: 2024-10-23. Review status: criteria provided, single submitter. Criteria: Invitae Variant Classification Sherloc (09022015). Collection method: clinical testing. Allele origin: germline.
Comment: This sequence change replaces cysteine, which is neutral and slightly polar, with glycine, which is neutral and non-polar, at codon 15 of the SAMHD1 protein (p.Cys15Gly). This variant is not present in population databases (gnomAD no frequency). This variant has not been reported in the literature in individuals affected with SAMHD1-related conditions. ClinVar contains an entry for this variant (Variation ID: 1024971). Invitae Evidence Modeling of protein sequence and biophysical properties (such as structural, functional, and spatial information, amino acid conservation, physicochemical variation, residue mobility, and thermodynamic stability) has been performed for this missense variant. However, the output from this modeling did not meet the statistical confidence thresholds required to predict the impact of this variant on SAMHD1 protein function. In summary, the available evidence is currently insufficient to determine the role of this variant in disease. Therefore, it has been classified as a Variant of Uncertain Significance.

Natera, Inc.
Classification: Uncertain significance for Aicardi-Goutieres syndrome. Last evaluated: 2020-11-14. Review status: no assertion criteria provided. Collection method: clinical testing. Allele origin: germline. Not counted in ClinVar's aggregate classification.

NM_015474.4(SAMHD1):c.43T>G (p.Cys15Gly)

Gene: SAMHD1 (SAM and HD domain containing deoxynucleoside triphosphate triphosphohydrolase 1; minus strand). Cytogenetic location: 20q11.23.
Variant type: single nucleotide variant.
Coding change: c.43T>G on transcript NM_015474.4 (MANE Select); coding-DNA position 43, T replaced by G.
Protein change: p.Cys15Gly; replaces cysteine 15 with glycine.
Molecular consequence: missense variant.
Genome position (GRCh38, 1-based): chr20:36,951,601, A>C on the plus strand (T>G on the coding strand, the complement: SAMHD1 is on the minus strand). VCF-style: chr20-36951601-A-C. GRCh37 (hg19) VCF-style: chr20-35580004-A-C.
Other names: c.43T>G, p.Cys15Gly (NM_001363729.2, NM_001363733.2); short protein forms C15G.
Identifiers: ClinVar variation 1024971 (VCV001024971.6), dbSNP rs1235922763, ClinGen allele CA408833682.
Genomic context (GRCh38, chr20:36,951,601, plus strand): 5'-CCGGGGACCAGTCTGCCTCTGCGGAAGGGGTGTTTGAGGGGGTTCTCGGGCTGTCATCGC[A>C]ACGGGGACGCTTGGAGGGCTGCTCGGAATCGGCTCGCTGCATGGCTACACCTGGCGTCCG-3'
Protein context (NP_056289.2, residues 5-25): DSEQPSKRPR[Cys15Gly]DDSPRTPSNT